The following is an entry in ClinVar:

ClinVar aggregate classification (germline): Uncertain significance. Review status: criteria provided, multiple submitters, no conflicts (2 of 4 stars). 2 submissions from 2 submitters: Uncertain significance (2). Last evaluated 2024-10-07.

Conditions:
Inborn genetic diseases. Identifiers: MedGen C0950123, MeSH D030342.

Allele frequency attached by ClinVar (database versions not stated): TOPMed 0.00002.
gnomAD v4.1: 51 of 1,613,222 alleles (0.0032%); highest among the groups gnomAD compares: South Asian, 0.0044%; 1 homozygote.

Submissions (2):

Labcorp Genetics (formerly Invitae), Labcorp
Classification: Uncertain significance. Last evaluated: 2024-10-07. Review status: criteria provided, single submitter. Criteria: Invitae Variant Classification Sherloc (09022015). Collection method: clinical testing. Allele origin: germline.
Comment: This sequence change replaces asparagine, which is neutral and polar, with serine, which is neutral and polar, at codon 713 of the GRID2 protein (p.Asn713Ser). This variant is present in population databases (rs532544114, gnomAD 0.009%). This variant has not been reported in the literature in individuals affected with GRID2-related conditions. ClinVar contains an entry for this variant (Variation ID: 2230609). Invitae Evidence Modeling of protein sequence and biophysical properties (such as structural, functional, and spatial information, amino acid conservation, physicochemical variation, residue mobility, and thermodynamic stability) indicates that this missense variant is not expected to disrupt GRID2 protein function with a negative predictive value of 80%. In summary, the available evidence is currently insufficient to determine the role of this variant in disease. Therefore, it has been classified as a Variant of Uncertain Significance.

Ambry Genetics
Classification: Uncertain significance for Inborn genetic diseases. Last evaluated: 2022-12-21. Review status: criteria provided, single submitter. Criteria: Ambry Variant Classification Scheme 2023. Collection method: clinical testing. Allele origin: germline.

NM_001510.4(GRID2):c.2138A>G (p.Asn713Ser)

Gene: GRID2 (glutamate ionotropic receptor delta type subunit 2; plus strand). Cytogenetic location: 4q22.2.
Variant type: single nucleotide variant.
Coding change: c.2138A>G on transcript NM_001510.4 (MANE Select); coding-DNA position 2138, A replaced by G.
Protein change: p.Asn713Ser; replaces asparagine 713 with serine.
Molecular consequence: missense variant.
Genome position (GRCh38, 1-based): chr4:93,515,356, A>G. VCF-style: chr4-93515356-A-G. GRCh37 (hg19) VCF-style: chr4-94436507-A-G.
Other names: c.1853A>G, p.Asn618Ser (NM_001286838.1); short protein forms N618S, N713S.
Identifiers: ClinVar variation 2230609 (VCV002230609.4), dbSNP rs532544114, ClinGen allele CA3012459.